The following is an entry in ClinVar:

ClinVar aggregate classification (germline): Uncertain significance (1 of 4 stars; one submission).

Conditions:
Neuronal ceroid lipofuscinosis 11. Also called: GRN-Related Neuronal Ceroid-Lipofuscinosis. Identifiers: Orphanet 314629, Orphanet 79262, MedGen C3539123, MONDO:0013866, OMIM 614706.
GRN-related frontotemporal lobar degeneration with Tdp43 inclusions (FTD2). Also called: GRN Frontotemporal Dementia; FRONTOTEMPORAL DEMENTIA WITH TDP43 INCLUSIONS, GRN-RELATED; DEMENTIA, HEREDITARY DYSPHASIC DISINHIBITION; FRONTOTEMPORAL LOBAR DEGENERATION WITH UBIQUITIN-POSITIVE INCLUSIONS; FTLD-TDP, GRN-RELATED. Identifiers: Orphanet 100070, Orphanet 282, MedGen C1843792, MONDO:0011842, OMIM 607485. Disease mechanism: loss of function.

Allele frequency attached by ClinVar (database versions not stated): gnomAD exomes below 0.00001.

Submission:

Labcorp Genetics (formerly Invitae), Labcorp
Classification: Uncertain significance for Neuronal ceroid lipofuscinosis 11; GRN-related frontotemporal lobar degeneration with Tdp43 inclusions. Last evaluated: 2025-05-12. Review status: criteria provided, single submitter. Criteria: Invitae Variant Classification Sherloc (09022015). Collection method: clinical testing. Allele origin: germline.
Comment: This sequence change replaces glycine, which is neutral and non-polar, with aspartic acid, which is acidic and polar, at codon 102 of the GRN protein (p.Gly102Asp). This variant is present in population databases (no rsID available, gnomAD 0.003%). This variant has not been reported in the literature in individuals affected with GRN-related conditions. ClinVar contains an entry for this variant (Variation ID: 1933845). An algorithm developed to predict the effect of missense changes on protein structure and function (PolyPhen-2) suggests that this variant is likely to be disruptive. In summary, the available evidence is currently insufficient to determine the role of this variant in disease. Therefore, it has been classified as a Variant of Uncertain Significance.

NM_002087.4(GRN):c.305G>A (p.Gly102Asp)

Gene: GRN (granulin precursor; plus strand). Cytogenetic location: 17q21.31.
Variant type: single nucleotide variant.
Coding change: c.305G>A on transcript NM_002087.4 (MANE Select); coding-DNA position 305, G replaced by A.
Protein change: p.Gly102Asp; replaces glycine 102 with aspartic acid.
Molecular consequence: missense variant.
Genome position (GRCh38, 1-based): chr17:44,349,707, G>A. VCF-style: chr17-44349707-G-A. GRCh37 (hg19) VCF-style: chr17-42427075-G-A.
Other names: short protein forms G102D.
Identifiers: ClinVar variation 1933845 (VCV001933845.5), dbSNP rs1458005498, ClinGen allele CA399760461.